The following is an entry in ClinVar:

NM_001365951.3(KIF1B):c.4798G>A (p.Val1600Met)

Gene: KIF1B (kinesin family member 1B; plus strand). Cytogenetic location: 1p36.22.
Variant type: single nucleotide variant.
Coding change: c.4798G>A on transcript NM_001365951.3 (MANE Select); coding-DNA position 4798, G replaced by A.
Protein change: p.Val1600Met; replaces valine 1600 with methionine.
Molecular consequence: missense variant.
Genome position (GRCh38, 1-based): chr1:10,368,512, G>A. VCF-style: chr1-10368512-G-A. GRCh37 (hg19) VCF-style: chr1-10428570-G-A.
Other names: c.4798G>A, p.Val1600Met (NM_001365952.1); c.4660G>A, p.Val1554Met (NM_015074.3); short protein forms V1554M, V1600M.
Identifiers: ClinVar variation 240959 (VCV000240959.35), dbSNP rs77172218, ClinGen allele CA582178.
Genomic context (GRCh38, chr1:10,368,512, plus strand): 5'-CTTTCTCTTCTTTAGTGCCTGCAACTTCTCACCCACACTTTCAACAGAGAATTCAGCCAG[G>A]TGCACGGCAGCGTCAGTGACTGTAAGGTGAGCACATTGACTGTAATTTTTAGCCAGTATG-3'
Protein context (NP_001352880.1, residues 1590-1610): THTFNREFSQ[Val1600Met]HGSVSDCKLS

ClinVar aggregate classification (germline): Benign. Review status: criteria provided, multiple submitters, no conflicts (2 of 4 stars). 11 submissions from 11 submitters: Benign (8). 3 of the submissions do not count toward it. Last evaluated 2026-02-03.

Conditions:
Charcot-Marie-Tooth disease. Also called: Charcot-Marie-Tooth Neuropathy; Charcot-Marie-Tooth Hereditary Neuropathy. Identifiers: Orphanet 166, MedGen C0007959, MONDO:0015626.
Charcot-Marie-Tooth disease type 2. Also called: Charcot-Marie-Tooth type 2. Identifiers: Orphanet 64746, MedGen C0270914, MONDO:0018993.
Neuroblastoma (NB). Identifiers: Orphanet 635, MedGen C0027819, MeSH D009447, MONDO:0005072, HP:0003006.

Allele frequency attached by ClinVar (database versions not stated): 1000 Genomes Project 30x 0.00437; gnomAD exomes 0.00994; ExAC 0.01014; ESP Exome Variant Server 0.01176; TOPMed 0.00967; gnomAD 0.01096; 1000 Genomes Project 0.00439.
gnomAD v4.1: 22,916 of 1,613,930 alleles (1.4%); highest among the groups gnomAD compares: Non-Finnish European, 1.7%; 177 homozygotes.

Submissions (11):

Labcorp Genetics (formerly Invitae), Labcorp
Classification: Benign for Charcot-Marie-Tooth disease type 2. Last evaluated: 2026-02-03. Review status: criteria provided, single submitter. Criteria: Invitae Variant Classification Sherloc (09022015). Collection method: clinical testing. Allele origin: germline.

Dasa
Classification: Benign. Last evaluated: 2025-10-29. Review status: criteria provided, single submitter. Criteria: DASA Assertion Criteria. Collection method: clinical testing. Allele origin: germline.
Comment: NM_001365951.3(KIF1B):c.4798G>A (p.Val1600Met) is a missense variant that results in the substitution of valine with methionine. Population frequency is inconsistent with a disease-causing role for this variant, and observations in unaffected individuals support a benign interpretation. Computational prediction algorithms are consistent with a benign effect. Therefore, based on the currently available evidence, this variant is classified as benign.

ARUP Laboratories, Molecular Genetics and Genomics, ARUP Laboratories
Classification: Benign. Last evaluated: 2025-07-16. Review status: criteria provided, single submitter. Criteria: ARUP Molecular Germline Variant Investigation Process 2024. Collection method: clinical testing. Allele origin: germline.

Ambry Genetics
Classification: Benign. Last evaluated: 2020-07-28. Review status: criteria provided, single submitter. Criteria: Ambry Variant Classification Scheme 2023. Collection method: clinical testing. Allele origin: germline.

Illumina Laboratory Services, Illumina
Classification: Benign for Neuroblastoma. Last evaluated: 2018-01-13. Review status: criteria provided, single submitter. Criteria: ICSL Variant Classification Criteria 13 December 2019. Collection method: clinical testing. Allele origin: germline.
Comment: This variant was observed in the ICSL laboratory as part of a predisposition screen in an ostensibly healthy population. It had not been previously curated by ICSL or reported in the Human Gene Mutation Database (HGMD: prior to June 1st, 2018), and was therefore a candidate for classification through an automated scoring system. Utilizing variant allele frequency, disease prevalence and penetrance estimates, and inheritance mode, an automated score was calculated to assess if this variant is too frequent to cause the disease. Based on the score and internal cut-off values, a variant classified as benign is not then subjected to further curation. The score for this variant resulted in a classification of benign for this disease.

Breakthrough Genomics
Classification: Benign. Review status: criteria provided, single submitter. Criteria: ACMG Guidelines, 2015. Collection method: not provided. Allele origin: germline. Inheritance: Autosomal dominant inheritance. Affected: yes.

Molecular Genetics Laboratory, London Health Sciences Centre
Classification: Benign for Charcot-Marie-Tooth disease. Review status: criteria provided, single submitter. Criteria: ACMG Guidelines, 2015. Collection method: clinical testing. Allele origin: germline. Affected: yes.

PreventionGenetics, part of Exact Sciences
Classification: Benign. Review status: criteria provided, single submitter. Criteria: ACMG Guidelines, 2015. Collection method: clinical testing. Allele origin: germline.

Clinical Genetics, Academic Medical Center
Classification: Benign. Review status: no assertion criteria provided. Collection method: clinical testing. Allele origin: germline. Affected: yes. Study: VKGL Data-share Consensus. Not counted in ClinVar's aggregate classification.

Genome Diagnostics Laboratory, University Medical Center Utrecht
Classification: Benign. Review status: no assertion criteria provided. Collection method: clinical testing. Allele origin: germline. Affected: yes. Study: VKGL Data-share Consensus. Not counted in ClinVar's aggregate classification.

Laboratory of Diagnostic Genome Analysis, Leiden University Medical Center (LUMC)
Classification: Likely benign. Review status: no assertion criteria provided. Collection method: clinical testing. Allele origin: germline. Affected: yes. Study: VKGL Data-share Consensus. Not counted in ClinVar's aggregate classification.